The following is an entry in ClinVar:

NM_024306.5(FA2H):c.471C>G (p.His157Gln)

Gene: FA2H (fatty acid 2-hydroxylase; minus strand). Cytogenetic location: 16q23.1.
Variant type: single nucleotide variant.
Coding change: c.471C>G on transcript NM_024306.5 (MANE Select); coding-DNA position 471, C replaced by G.
Protein change: p.His157Gln; replaces histidine 157 with glutamine.
Molecular consequence: missense variant.
Genome position (GRCh38, 1-based): chr16:74,727,279, G>C on the plus strand (C>G on the coding strand, the complement: FA2H is on the minus strand). VCF-style: chr16-74727279-G-C. GRCh37 (hg19) VCF-style: chr16-74761177-G-C.
Other names: c.471C>G (NM_024306.4); short protein forms H157Q.
Identifiers: ClinVar variation 1352445 (VCV001352445.9), dbSNP rs146060468, ClinGen allele CA8170524.

ClinVar aggregate classification (germline): Likely benign. Review status: criteria provided, multiple submitters, no conflicts (2 of 4 stars). 2 submissions from 2 submitters: Likely benign (2). Last evaluated 2025-12-21.

Conditions:
Spastic paraplegia. Identifiers: MedGen C0037772, HP:0001258.

Allele frequency attached by ClinVar (database versions not stated): gnomAD exomes 0.00001 and 0.00004; ExAC 0.00002; gnomAD 0.00012 and 0.00013; TOPMed 0.00013; ESP Exome Variant Server 0.00015; 1000 Genomes Project 0.00040; 1000 Genomes Project 30x 0.00047.
gnomAD v4.1: 28 of 1,614,202 alleles (0.0017%); highest among the groups gnomAD compares: African/African-American, 0.032%; no homozygotes.

Submissions (2):

Labcorp Genetics (formerly Invitae), Labcorp
Classification: Likely benign for Spastic paraplegia. Last evaluated: 2025-12-21. Review status: criteria provided, single submitter. Criteria: Invitae Variant Classification Sherloc (09022015). Collection method: clinical testing. Allele origin: germline.

Athena Diagnostics
Classification: Likely benign. Last evaluated: 2025-06-26. Review status: criteria provided, single submitter. Criteria: Athena Diagnostics Criteria. Collection method: clinical testing. Allele origin: unknown.
Comment: The frequency of this variant in the general population is higher than would generally be expected for pathogenic variants in this gene. Computational tools predict this amino acid change may be benign.